The following is an entry in ClinVar:

NM_000257.4(MYH7):c.5030G>C (p.Arg1677Pro)

Genes: MHRT (myosin heavy chain associated RNA transcript; plus strand), MYH7 (myosin heavy chain 7; minus strand), LOC126861897 (BRD4-independent group 4 enhancer GRCh37_chr14:23884455-23885654; plus strand). Cytogenetic location: 14q11.2.
Variant type: single nucleotide variant.
Coding change: c.5030G>C on transcript NM_000257.4 (MANE Select); coding-DNA position 5030, G replaced by C.
Protein change: p.Arg1677Pro; replaces arginine 1677 with proline.
Molecular consequence: missense variant. On other transcripts: non-coding transcript variant (1).
Genome position (GRCh38, 1-based): chr14:23,415,756, C>G on the plus strand (G>C on the coding strand, the complement: MYH7 is on the minus strand). VCF-style: chr14-23415756-C-G. GRCh37 (hg19) VCF-style: chr14-23884965-C-G.
Other names: c.5030G>C, p.Arg1677Pro (NM_001407004.1); short protein forms R1677P.
Identifiers: ClinVar variation 2760105 (VCV002760105.3), dbSNP rs730880914, ClinGen allele CA389037105.

ClinVar aggregate classification (germline): Uncertain significance (1 of 4 stars; one submission).

Conditions:
Hypertrophic cardiomyopathy. Also called: HYPERTROPHIC MYOCARDIOPATHY. Identifiers: Orphanet 217569, MedGen C0007194, MeSH D002312, MONDO:0005045, HP:0001639.

Submission:

Labcorp Genetics (formerly Invitae), Labcorp
Classification: Uncertain significance for Hypertrophic cardiomyopathy. Last evaluated: 2023-10-30. Review status: criteria provided, single submitter. Criteria: Invitae Variant Classification Sherloc (09022015). Collection method: clinical testing. Allele origin: germline.
Comment: This sequence change replaces arginine, which is basic and polar, with proline, which is neutral and non-polar, at codon 1677 of the MYH7 protein (p.Arg1677Pro). This variant is not present in population databases (gnomAD no frequency). This variant has not been reported in the literature in individuals affected with MYH7-related conditions. Advanced modeling of protein sequence and biophysical properties (such as structural, functional, and spatial information, amino acid conservation, physicochemical variation, residue mobility, and thermodynamic stability) performed at Invitae indicates that this missense variant is expected to disrupt MYH7 protein function with a positive predictive value of 95%. This variant disrupts the p.Arg1677 amino acid residue in MYH7. Other variant(s) that disrupt this residue have been determined to be pathogenic (PMID: 27532257, 30924982; Invitae). This suggests that this residue is clinically significant, and that variants that disrupt this residue are likely to be disease-causing. In summary, the available evidence is currently insufficient to determine the role of this variant in disease. Therefore, it has been classified as a Variant of Uncertain Significance.

Literature cited by the submitters: PubMed 27532257; PubMed 30924982.